The following is an entry in ClinVar:

ClinVar aggregate classification (germline): Uncertain significance. Review status: criteria provided, multiple submitters, no conflicts (2 of 4 stars). 3 submissions from 3 submitters: Uncertain significance (3). Last evaluated 2025-09-01.

Conditions:
Renal tubular dysgenesis of genetic origin. Also called: PRIMITIVE RENAL TUBULE SYNDROME. Identifiers: Orphanet 97369, MedGen C5681536, MONDO:0009970, OMIM 267430.
Familial juvenile hyperuricemic nephropathy type 2 (ADTKD4). Also called: Autosomal Dominant Tubulointerstitial Kidney Disease – REN; EARLY-ONSET HYPERURICEMIA, ANEMIA, AND PROGRESSIVE KIDNEY FAILURE. Identifiers: Orphanet 217330, MedGen C2751310, MONDO:0013128, OMIM 613092.

Submissions (3):

Labcorp Genetics (formerly Invitae), Labcorp
Classification: Uncertain significance. Last evaluated: 2025-09-01. Review status: criteria provided, single submitter. Criteria: Invitae Variant Classification Sherloc (09022015). Collection method: clinical testing. Allele origin: germline.
Comment: This sequence change replaces arginine, which is basic and polar, with glutamine, which is neutral and polar, at codon 43 of the REN protein (p.Arg43Gln). This variant is not present in population databases (gnomAD no frequency). This variant has not been reported in the literature in individuals affected with REN-related conditions. ClinVar contains an entry for this variant (Variation ID: 3578131). An algorithm developed to predict the effect of missense changes on protein structure and function (PolyPhen-2) suggests that this variant is likely to be disruptive. In summary, the available evidence is currently insufficient to determine the role of this variant in disease. Therefore, it has been classified as a Variant of Uncertain Significance.

GeneDx
Classification: Uncertain significance. Last evaluated: 2025-07-16. Review status: criteria provided, single submitter. Criteria: GeneDx Variant Classification Process June 2021. Collection method: clinical testing. Allele origin: germline. Affected: yes.
Comment: Not observed at significant frequency in large population cohorts (gnomAD); In silico analysis supports that this missense variant has a deleterious effect on protein structure/function; Has not been previously published as pathogenic or benign to our knowledge

Fulgent Genetics
Classification: Uncertain significance for Renal tubular dysgenesis of genetic origin; Familial juvenile hyperuricemic nephropathy type 2. Last evaluated: 2024-04-16. Review status: criteria provided, single submitter. Criteria: ACMG Guidelines, 2015. Collection method: clinical testing. Allele origin: germline.

NM_000537.4(REN):c.128G>A (p.Arg43Gln)

Gene: REN (renin; minus strand). Cytogenetic location: 1q32.1.
Variant type: single nucleotide variant.
Coding change: c.128G>A on transcript NM_000537.4 (MANE Select); coding-DNA position 128, G replaced by A.
Protein change: p.Arg43Gln; replaces arginine 43 with glutamine.
Molecular consequence: missense variant.
Genome position (GRCh38, 1-based): chr1:204,162,134, C>T on the plus strand (G>A on the coding strand, the complement: REN is on the minus strand). VCF-style: chr1-204162134-C-T. GRCh37 (hg19) VCF-style: chr1-204131262-C-T.
Other names: c.128G>A (NM_000537.3); short protein forms R43Q.
Identifiers: ClinVar variation 3578131 (VCV003578131.4).